The following is an entry in ClinVar:

NM_004035.7(ACOX1):c.1683G>A (p.Leu561=)

Gene: ACOX1 (acyl-CoA oxidase 1; minus strand). Cytogenetic location: 17q25.1.
Variant type: single nucleotide variant.
Coding change: c.1683G>A on transcript NM_004035.7 (MANE Select); coding-DNA position 1683, G replaced by A.
Protein change: p.Leu561=; no amino-acid change (leucine 561 retained).
Molecular consequence: synonymous variant.
Genome position (GRCh38, 1-based): chr17:75,949,262, C>T on the plus strand (G>A on the coding strand, the complement: ACOX1 is on the minus strand). VCF-style: chr17-75949262-C-T. GRCh37 (hg19) VCF-style: chr17-73945343-C-T.
Other names: c.1569G>A, p.Leu523= (NM_001185039.2); c.1683G>A, p.Leu561= (NM_007292.6).
Identifiers: ClinVar variation 794374 (VCV000794374.17), dbSNP rs568893695, ClinGen allele CA8776695.

ClinVar aggregate classification (germline): Likely benign. Review status: criteria provided, single submitter (1 of 4 stars). 3 submissions from 3 submitters: Likely benign (1). 2 of the submissions do not count toward it. Last evaluated 2024-11-18.

Conditions:
ACOX1-related disorder. Also called: ACOX1-related condition; ACOX1-related disorders.
Acyl-CoA oxidase deficiency. Also called: STRAIGHT-CHAIN ACYL-CoA OXIDASE DEFICIENCY; Pseudoneonatal adrenoleukodystrophy; Peroxisomal acyl-CoA oxidase deficiency. Identifiers: Orphanet 2971, MedGen C1849678, MONDO:0009919, OMIM 264470. Disease mechanism: loss of function.

Allele frequency attached by ClinVar (database versions not stated): gnomAD exomes below 0.00001 and 0.00002; gnomAD 0.00001; TOPMed 0.00001; ExAC 0.00002; 1000 Genomes Project 30x 0.00016; 1000 Genomes Project 0.00020.
gnomAD v4.1: 7 of 1,614,216 alleles (0.00043%); highest among the groups gnomAD compares: East Asian, 0.016%; no homozygotes.

Submissions (3):

Labcorp Genetics (formerly Invitae), Labcorp
Classification: Likely benign for Acyl-CoA oxidase deficiency. Last evaluated: 2024-11-18. Review status: criteria provided, single submitter. Criteria: Invitae Variant Classification Sherloc (09022015). Collection method: clinical testing. Allele origin: germline.

PreventionGenetics, part of Exact Sciences
Classification: Likely benign for ACOX1-related condition. Last evaluated: 2023-12-15. Review status: no assertion criteria provided. Collection method: clinical testing. Allele origin: germline. Not counted in ClinVar's aggregate classification.
Comment: This variant is classified as likely benign based on ACMG/AMP sequence variant interpretation guidelines (Richards et al. 2015 PMID: 25741868, with internal and published modifications).

Natera, Inc.
Classification: Likely benign for Peroxisomal acyl-CoA oxidase deficiency. Last evaluated: 2020-04-07. Review status: no assertion criteria provided. Collection method: clinical testing. Allele origin: germline. Not counted in ClinVar's aggregate classification.